The following is an entry in ClinVar:

ClinVar aggregate classification (germline): Likely benign (1 of 4 stars; one submission).

Allele frequency attached by ClinVar (database versions not stated): gnomAD exomes below 0.00001; gnomAD 0.00001.
gnomAD v4.1: 2 of 1,613,318 alleles (0.00012%); highest among the groups gnomAD compares: Admixed American, 0.0017%; no homozygotes.

Submission:

GeneDx
Classification: Likely benign. Last evaluated: 2016-10-18. Review status: criteria provided, single submitter. Criteria: GeneDx Variant Classification (06012015). Collection method: clinical testing. Allele origin: germline. Affected: yes.
Comment: This variant is considered likely benign or benign based on one or more of the following criteria: it is a conservative change, it occurs at a poorly conserved position in the protein, it is predicted to be benign by multiple in silico algorithms, and/or has population frequency not consistent with disease.

NM_001876.4(CPT1A):c.556-7A>T

Gene: CPT1A (carnitine palmitoyltransferase 1A; minus strand). Cytogenetic location: 11q13.3.
Variant type: single nucleotide variant.
Coding change: c.556-7A>T on transcript NM_001876.4 (MANE Select); 7 bases into the intron before coding-DNA position 556, A replaced by T.
Molecular consequence: intron variant.
Genome position (GRCh38, 1-based): chr11:68,799,362, T>A on the plus strand (A>T on the coding strand, the complement: CPT1A is on the minus strand). VCF-style: chr11-68799362-T-A. GRCh37 (hg19) VCF-style: chr11-68566830-T-A.
Other names: c.556-7A>T (NM_001031847.3).
Identifiers: ClinVar variation 390074 (VCV000390074.1), dbSNP rs1057523637, ClinGen allele CA16606389.
Genomic context (GRCh38, chr11:68,799,362, plus strand): 5'-TGTCATCCGTTTGAAGTCTTCTTCCTTCATAAGAGGCCTCACCGACTGTAGATACTGGGA[T>A]TATTGGGGGAAAAAAAAATCACCCAAGTTAAAACATATTAATCAAAGCCTATGTTTGCCT-3'